The following is an entry in ClinVar:

ClinVar aggregate classification (germline): Uncertain significance (1 of 4 stars; one submission).

Conditions:
Generalized epilepsy with febrile seizures plus, type 7 (GEFSP7). Also called: GEFS+, TYPE 7. Identifiers: Orphanet 36387, MedGen C2751778, MONDO:0013470, OMIM 613863.
Neuropathy, hereditary sensory and autonomic, type 2A (HSAN2A). Also called: HSAN IIA; ACROOSTEOLYSIS, GIACCAI TYPE; ACROOSTEOLYSIS, NEUROGENIC; MORVAN DISEASE; NEUROPATHY, CONGENITAL SENSORY; NEUROPATHY, HEREDITARY SENSORY RADICULAR, AUTOSOMAL RECESSIVE. Identifiers: Orphanet 970, MedGen C2752089, MONDO:0024309, OMIM 201300.

gnomAD v4.1: 1 of 1,612,528 alleles (0.000062%); highest among the groups gnomAD compares: Non-Finnish European, 0.000085%; no homozygotes.

Submission:

Labcorp Genetics (formerly Invitae), Labcorp
Classification: Uncertain significance for Neuropathy, hereditary sensory and autonomic, type 2A; Generalized epilepsy with febrile seizures plus, type 7. Last evaluated: 2018-11-08. Review status: criteria provided, single submitter. Criteria: Invitae Variant Classification Sherloc (09022015). Collection method: clinical testing. Allele origin: germline.
Comment: In summary, the available evidence is currently insufficient to determine the role of this variant in disease. Therefore, it has been classified as a Variant of Uncertain Significance. Algorithms developed to predict the effect of missense changes on protein structure and function output the following: SIFT: "Tolerated"; PolyPhen-2: "Benign"; Align-GVGD: "Class C0". The alanine amino acid residue is found in multiple mammalian species, suggesting that this missense change does not adversely affect protein function. These predictions have not been confirmed by published functional studies and their clinical significance is uncertain. This variant has not been reported in the literature in individuals with SCN9A-related disease. This variant is not present in population databases (ExAC no frequency). This sequence change replaces proline with alanine at codon 1122 of the SCN9A protein (p.Pro1122Ala). The proline residue is highly conserved and there is a small physicochemical difference between proline and alanine.

NM_001365536.1(SCN9A):c.3397C>G (p.Pro1133Ala)

Genes: SCN1A-AS1 (SCN1A and SCN9A antisense RNA 1; plus strand), SCN9A (sodium voltage-gated channel alpha subunit 9; minus strand). Cytogenetic location: 2q24.3.
Variant type: single nucleotide variant.
Coding change: c.3397C>G on transcript NM_001365536.1 (MANE Select); coding-DNA position 3397, C replaced by G.
Protein change: p.Pro1133Ala; replaces proline 1133 with alanine.
Molecular consequence: missense variant. On other transcripts: non-coding transcript variant (1).
Genome position (GRCh38, 1-based): chr2:166,251,840, G>C on the plus strand (C>G on the coding strand, the complement: SCN9A is on the minus strand). VCF-style: chr2-166251840-G-C. GRCh37 (hg19) VCF-style: chr2-167108350-G-C.
Other names: c.3364C>G, p.Pro1122Ala (NM_002977.4); short protein forms P1122A, P1133A.
Identifiers: ClinVar variation 643683 (VCV000643683.9), dbSNP rs761748478, ClinGen allele CA349072028.